The following is an entry in ClinVar:

ClinVar aggregate classification (germline): Uncertain significance (1 of 4 stars; one submission).

Allele frequency attached by ClinVar (database versions not stated): TOPMed 0.00002.
gnomAD v4.1: 2 of 1,613,280 alleles (0.00012%); highest among the groups gnomAD compares: Non-Finnish European, 0.00017%; no homozygotes.

Submission:

Labcorp Genetics (formerly Invitae), Labcorp
Classification: Uncertain significance. Last evaluated: 2024-09-21. Review status: criteria provided, single submitter. Criteria: Invitae Variant Classification Sherloc (09022015). Collection method: clinical testing. Allele origin: germline.
Comment: This sequence change replaces isoleucine, which is neutral and non-polar, with methionine, which is neutral and non-polar, at codon 209 of the DDX58 protein (p.Ile209Met). This variant is not present in population databases (gnomAD no frequency). This variant has not been reported in the literature in individuals affected with DDX58-related conditions. An algorithm developed to predict the effect of missense changes on protein structure and function (PolyPhen-2) suggests that this variant is likely to be disruptive. In summary, the available evidence is currently insufficient to determine the role of this variant in disease. Therefore, it has been classified as a Variant of Uncertain Significance.

NM_014314.4(RIGI):c.627A>G (p.Ile209Met)

Gene: RIGI (RNA sensor RIG-I; minus strand). Cytogenetic location: 9p21.1.
Variant type: single nucleotide variant.
Coding change: c.627A>G on transcript NM_014314.4 (MANE Select); coding-DNA position 627, A replaced by G.
Protein change: p.Ile209Met; replaces isoleucine 209 with methionine.
Molecular consequence: missense variant.
Genome position (GRCh38, 1-based): chr9:32,491,365, T>C on the plus strand (A>G on the coding strand, the complement: RIGI is on the minus strand). VCF-style: chr9-32491365-T-C. GRCh37 (hg19) VCF-style: chr9-32491363-T-C.
Other names: c.627A>G, p.Ile209Met (NM_001385907.1, NM_001385909.1); c.186A>G, p.Ile62Met (NM_001385910.1, NM_001385914.1); c.18A>G, p.Ile6Met (NM_001385912.1); c.612A>G, p.Ile204Met (NM_001385913.1); short protein forms I209M, I62M, I204M, I6M.
Identifiers: ClinVar variation 2871862 (VCV002871862.3), dbSNP rs1370943160, ClinGen allele CA373161133.